The following is an entry in ClinVar:

ClinVar aggregate classification (germline): Uncertain significance. Review status: criteria provided, multiple submitters, no conflicts (2 of 4 stars). 2 submissions from 2 submitters: Uncertain significance (2). Last evaluated 2026-09-01.

Conditions:
Inborn genetic diseases. Identifiers: MedGen C0950123, MeSH D030342.

Allele frequency attached by ClinVar (database versions not stated): TOPMed 0.00001; ExAC 0.00002; gnomAD 0.00002.
gnomAD v4.1: 9 of 1,612,224 alleles (0.00056%); highest among the groups gnomAD compares: Admixed American, 0.012%; no homozygotes.

Submissions (2):

CeGaT Center for Human Genetics Tuebingen
Classification: Uncertain significance. Last evaluated: 2026-09-01. Review status: criteria provided, single submitter. Criteria: CeGaT Center For Human Genetics Tuebingen Variant Classification Criteria Version 2. Collection method: clinical testing. Allele origin: germline. Affected: yes. Observed: 1 variant allele.
Comment: TLK2: PM2:Supporting, PP2

Ambry Genetics
Classification: Uncertain significance for Inborn genetic diseases. Last evaluated: 2025-03-07. Review status: criteria provided, single submitter. Criteria: Ambry Variant Classification Scheme 2023. Collection method: clinical testing. Allele origin: germline.

NM_006852.6(TLK2):c.1382C>T (p.Thr461Ile)

Gene: TLK2 (tousled like kinase 2; plus strand). Cytogenetic location: 17q23.2.
Variant type: single nucleotide variant.
Coding change: c.1382C>T on transcript NM_006852.6 (MANE Select); coding-DNA position 1382, C replaced by T.
Protein change: p.Thr461Ile; replaces threonine 461 with isoleucine.
Molecular consequence: missense variant.
Genome position (GRCh38, 1-based): chr17:62,586,148, C>T. VCF-style: chr17-62586148-C-T. GRCh37 (hg19) VCF-style: chr17-60663509-C-T.
Other names: c.1448C>T, p.Thr483Ile (NM_001284333.3); c.1286C>T, p.Thr429Ile (NM_001284363.1, NM_001375272.1); c.935C>T, p.Thr312Ile (NM_001330418.3, NM_001375273.1); c.1424C>T, p.Thr475Ile (NM_001375269.1); c.1382C>T, p.Thr461Ile (NM_001375270.1, NM_001375271.1); c.1097C>T, p.Thr366Ile (NM_001411074.1); short protein forms T312I, T366I, T461I, T475I, T483I, T429I.
Identifiers: ClinVar variation 2479503 (VCV002479503.4), dbSNP rs761911101, ClinGen allele CA8694971.